The following is an entry in ClinVar:

NM_025179.4(PLXNA2):c.1506G>A (p.Gln502=)

Gene: PLXNA2 (plexin A2; minus strand). Cytogenetic location: 1q32.2.
Variant type: single nucleotide variant.
Coding change: c.1506G>A on transcript NM_025179.4 (MANE Select); coding-DNA position 1506, G replaced by A.
Protein change: p.Gln502=; no amino-acid change (glutamine 502 retained).
Molecular consequence: synonymous variant.
Genome position (GRCh38, 1-based): chr1:208,142,329, C>T on the plus strand (G>A on the coding strand, the complement: PLXNA2 is on the minus strand). VCF-style: chr1-208142329-C-T. GRCh37 (hg19) VCF-style: chr1-208315674-C-T.
Other names: c.1506G>A (NM_025179.3).
Identifiers: ClinVar variation 2418469 (VCV002418469.9), dbSNP rs138106140, ClinGen allele CA1373832.
Genomic context (GRCh38, chr1:208,142,329, plus strand): 5'-GTGACAGATTATCAGCAGTTTCTTGGAGTTTGGAAAGCAGAGATGGATGTTAGCACTTAC[C>T]TGTCTCTCAGACATGACGTACAGGTAGCGCTGATCAATGGAGAAGGCCATGTCCCGGAGG-3'
Protein context (NP_079455.3, residues 492-512): QRYLYVMSER[Gln502=]VTRVPVESCE

ClinVar aggregate classification (germline): Uncertain significance. Review status: criteria provided, single submitter (1 of 4 stars). 2 submissions from 2 submitters: Uncertain significance (1). 1 of the submissions does not count toward it. Last evaluated 2021-12-15.

Conditions:
PLXNA2-related disorder. Also called: PLXNA2-related condition.

Allele frequency attached by ClinVar (database versions not stated): gnomAD exomes 0.00003; ExAC 0.00006; TOPMed 0.00010; gnomAD 0.00013; 1000 Genomes Project 0.00020; 1000 Genomes Project 30x 0.00031; ESP Exome Variant Server 0.00038.
gnomAD v4.1: 66 of 1,592,124 alleles (0.0041%); highest among the groups gnomAD compares: African/African-American, 0.032%; 1 homozygote.

Submissions (2):

Labcorp Genetics (formerly Invitae), Labcorp
Classification: Uncertain significance. Last evaluated: 2021-12-15. Review status: criteria provided, single submitter. Criteria: Invitae Variant Classification Sherloc (09022015). Collection method: clinical testing. Allele origin: germline.
Comment: This sequence change affects codon 502 of the PLXNA2 mRNA. It is a 'silent' change, meaning that it does not change the encoded amino acid sequence of the PLXNA2 protein. This variant also falls at the last nucleotide of exon 4, which is part of the consensus splice site for this exon. In summary, the available evidence is currently insufficient to determine the role of this variant in disease. Therefore, it has been classified as a Variant of Uncertain Significance. Variants that disrupt the consensus splice site are a relatively common cause of aberrant splicing (PMID: 17576681, 9536098). Algorithms developed to predict the effect of sequence changes on RNA splicing suggest that this variant is not likely to affect RNA splicing. This variant has not been reported in the literature in individuals affected with PLXNA2-related conditions. This variant is present in population databases (rs138106140, gnomAD 0.05%).

PreventionGenetics, part of Exact Sciences
Classification: Likely benign for PLXNA2-related condition. Last evaluated: 2022-02-23. Review status: no assertion criteria provided. Collection method: clinical testing. Allele origin: germline. Not counted in ClinVar's aggregate classification.
Comment: This variant is classified as likely benign based on ACMG/AMP sequence variant interpretation guidelines (Richards et al. 2015 PMID: 25741868, with internal and published modifications).

Literature cited by the submitters: PubMed 17576681 (cited by Labcorp Genetics (formerly Invitae), Labcorp); PubMed 9536098 (cited by Labcorp Genetics (formerly Invitae), Labcorp).